The following is an entry in ClinVar:

ClinVar aggregate classification (germline): Uncertain significance. Review status: criteria provided, multiple submitters, no conflicts (2 of 4 stars). 2 submissions from 2 submitters: Uncertain significance (2). Last evaluated 2024-10-15.

Conditions:
Hypertrophic cardiomyopathy. Also called: HYPERTROPHIC MYOCARDIOPATHY. Identifiers: Orphanet 217569, MedGen C0007194, MeSH D002312, MONDO:0005045, HP:0001639.

Submissions (2):

Labcorp Genetics (formerly Invitae), Labcorp
Classification: Uncertain significance for Hypertrophic cardiomyopathy. Last evaluated: 2024-10-15. Review status: criteria provided, single submitter. Criteria: Invitae Variant Classification Sherloc (09022015). Collection method: clinical testing. Allele origin: germline.
Comment: This sequence change replaces proline, which is neutral and non-polar, with serine, which is neutral and polar, at codon 402 of the MYH7 protein (p.Pro402Ser). This variant is not present in population databases (gnomAD no frequency). This missense change has been observed in individual(s) with hypertrophic cardiomyopathy (PMID: 27247418). ClinVar contains an entry for this variant (Variation ID: 235025). Invitae Evidence Modeling of protein sequence and biophysical properties (such as structural, functional, and spatial information, amino acid conservation, physicochemical variation, residue mobility, and thermodynamic stability) indicates that this missense variant is expected to disrupt MYH7 protein function with a positive predictive value of 95%. In summary, the available evidence is currently insufficient to determine the role of this variant in disease. Therefore, it has been classified as a Variant of Uncertain Significance.

Stanford Center for Inherited Cardiovascular Disease, Stanford University
Classification: Uncertain significance. Last evaluated: 2012-06-27. Review status: criteria provided, single submitter. Criteria: ACMG Guidelines, 2015. Collection method: provider interpretation. Allele origin: germline.

Literature cited by the submitters: PubMed 27247418 (cited by Labcorp Genetics (formerly Invitae), Labcorp).

NM_000257.4(MYH7):c.1204C>T (p.Pro402Ser)

Gene: MYH7 (myosin heavy chain 7; minus strand). Cytogenetic location: 14q11.2.
Variant type: single nucleotide variant.
Coding change: c.1204C>T on transcript NM_000257.4 (MANE Select); coding-DNA position 1204, C replaced by T.
Protein change: p.Pro402Ser; replaces proline 402 with serine.
Molecular consequence: missense variant.
Genome position (GRCh38, 1-based): chr14:23,429,282, G>A on the plus strand (C>T on the coding strand, the complement: MYH7 is on the minus strand). VCF-style: chr14-23429282-G-A. GRCh37 (hg19) VCF-style: chr14-23898491-G-A.
Other names: c.1204C>T (LRG_384t1); short protein forms P402S.
Identifiers: ClinVar variation 235025 (VCV000235025.5), dbSNP rs397516094, ClinGen allele CA10581178.